The following is an entry in ClinVar:

NM_001099922.3(ALG13):c.2714A>G (p.Tyr905Cys)

Gene: ALG13 (ALG13 UDP-N-acetylglucosaminyltransferase subunit; plus strand). Cytogenetic location: Xq23.
Variant type: single nucleotide variant.
Coding change: c.2714A>G on transcript NM_001099922.3 (MANE Select); coding-DNA position 2714, A replaced by G.
Protein change: p.Tyr905Cys; replaces tyrosine 905 with cysteine.
Molecular consequence: missense variant. On other transcripts: intron variant (5).
Genome position (GRCh38, 1-based): chrX:111,744,686, A>G. VCF-style: chrX-111744686-A-G. GRCh37 (hg19) VCF-style: chrX-110987914-A-G.
Other names: c.2480A>G, p.Tyr827Cys (NM_001257231.2); c.2383+7807A>G (NM_001257237.2, NM_001257234.2, NM_001257230.2); c.2209+7807A>G (NM_001324293.1); c.2695+7807A>G (NM_001324292.2); short protein forms Y905C, Y827C.
Identifiers: ClinVar variation 1987478 (VCV001987478.4), dbSNP rs769682157, ClinGen allele CA10493964.

ClinVar aggregate classification (germline): Uncertain significance (1 of 4 stars; one submission).

Conditions:
Developmental and epileptic encephalopathy, 36 (DEE36). Also called: Epileptic encephalopathy, early infantile, 36; Congenital disorder of glycosylation, type Is; ALG13-CDG. Identifiers: Orphanet 324422, MedGen C4317295, MONDO:0010472, OMIM 300884.

Allele frequency attached by ClinVar (database versions not stated): gnomAD exomes below 0.00001; TOPMed below 0.00001.
gnomAD v4.1: 1 of 1,181,050 alleles (0.000085%); highest among the groups gnomAD compares: African/African-American, 0.0018%; no homozygotes.

Submission:

Labcorp Genetics (formerly Invitae), Labcorp
Classification: Uncertain significance for Developmental and epileptic encephalopathy, 36. Last evaluated: 2023-10-07. Review status: criteria provided, single submitter. Criteria: Invitae Variant Classification Sherloc (09022015). Collection method: clinical testing. Allele origin: germline.
Comment: This sequence change replaces tyrosine, which is neutral and polar, with cysteine, which is neutral and slightly polar, at codon 905 of the ALG13 protein (p.Tyr905Cys). This variant is not present in population databases (gnomAD no frequency). This variant has not been reported in the literature in individuals affected with ALG13-related conditions. ClinVar contains an entry for this variant (Variation ID: 1987478). Algorithms developed to predict the effect of missense changes on protein structure and function output the following: SIFT: "Not Available"; PolyPhen-2: "Possibly Damaging"; Align-GVGD: "Not Available". The cysteine amino acid residue is found in multiple mammalian species, which suggests that this missense change does not adversely affect protein function. In summary, the available evidence is currently insufficient to determine the role of this variant in disease. Therefore, it has been classified as a Variant of Uncertain Significance.